The following is an entry in ClinVar:

ClinVar aggregate classification (germline): Uncertain significance. Review status: criteria provided, multiple submitters, no conflicts (2 of 4 stars). 2 submissions from 2 submitters: Uncertain significance (2). Last evaluated 2025-09-24.

Conditions:
Early-infantile DEE. Also called: Early infantile epileptic encephalopathy; Ohtahara syndrome; Early infantile epileptic encephalopathy with suppression bursts. Identifiers: Orphanet 1934, MedGen C0393706, MONDO:0800491.

Allele frequency attached by ClinVar (database versions not stated): gnomAD exomes below 0.00001; ExAC 0.00001; TOPMed 0.00001; ESP Exome Variant Server 0.00008.
gnomAD v4.1: 3 of 1,613,924 alleles (0.00019%); highest among the groups gnomAD compares: Non-Finnish European, 0.00017%; no homozygotes.

Submissions (2):

Labcorp Genetics (formerly Invitae), Labcorp
Classification: Uncertain significance for Early-infantile DEE. Last evaluated: 2025-09-24. Review status: criteria provided, single submitter. Criteria: Invitae Variant Classification Sherloc (09022015). Collection method: clinical testing. Allele origin: germline.
Comment: This sequence change replaces lysine, which is basic and polar, with glutamic acid, which is acidic and polar, at codon 1846 of the SCN1A protein (p.Lys1846Glu). This variant is present in population databases (rs372098964, gnomAD 0.0009%). This variant has not been reported in the literature in individuals affected with SCN1A-related conditions. ClinVar contains an entry for this variant (Variation ID: 944090). Invitae Evidence Modeling of protein sequence and biophysical properties (such as structural, functional, and spatial information, amino acid conservation, physicochemical variation, residue mobility, and thermodynamic stability) has been performed for this missense variant. However, the output from this modeling did not meet the statistical confidence thresholds required to predict the impact of this variant on SCN1A protein function. In summary, the available evidence is currently insufficient to determine the role of this variant in disease. Therefore, it has been classified as a Variant of Uncertain Significance.

GeneDx
Classification: Uncertain significance. Last evaluated: 2022-12-29. Review status: criteria provided, single submitter. Criteria: GeneDx Variant Classification Process June 2021. Collection method: clinical testing. Allele origin: germline. Affected: yes.
Comment: In silico analysis supports that this missense variant does not alter protein structure/function; Has not been previously published as pathogenic or benign to our knowledge; This substitution is predicted to be within the C-terminal cytoplasmic domain.; Not observed at significant frequency in large population cohorts (gnomAD); Missense variants in this gene are often considered pathogenic (HGMD)

NM_001165963.4(SCN1A):c.5536A>G (p.Lys1846Glu)

Genes: SCN1A (sodium voltage-gated channel alpha subunit 1; minus strand), LOC102724058 (uncharacterized LOC102724058; plus strand). Cytogenetic location: 2q24.3.
Variant type: single nucleotide variant.
Coding change: c.5536A>G on transcript NM_001165963.4 (MANE Select); coding-DNA position 5536, A replaced by G.
Protein change: p.Lys1846Glu; replaces lysine 1846 with glutamic acid.
Molecular consequence: missense variant. On other transcripts: non-coding transcript variant (1).
Genome position (GRCh38, 1-based): chr2:165,991,739, T>C on the plus strand (A>G on the coding strand, the complement: SCN1A is on the minus strand). VCF-style: chr2-165991739-T-C. GRCh37 (hg19) VCF-style: chr2-166848249-T-C.
Other names: c.5452A>G, p.Lys1818Glu (NM_001165964.3, NM_001353957.2, NM_001353958.2); c.5536A>G, p.Lys1846Glu (NM_001202435.3, NM_001353948.2); c.5503A>G, p.Lys1835Glu (NM_001353949.2, NM_001353950.2, NM_001353951.2 and 2 more transcripts); c.5500A>G, p.Lys1834Glu (NM_001353954.2, NM_001353955.2); c.5449A>G, p.Lys1817Glu (NM_001353960.2); c.3094A>G, p.Lys1032Glu (NM_001353961.2); short protein forms K1032E, K1818E, K1834E, K1817E, K1846E, K1835E.
Identifiers: ClinVar variation 944090 (VCV000944090.9), dbSNP rs372098964, ClinGen allele CA1942668.